The following is an entry in ClinVar:

ClinVar aggregate classification (germline): Uncertain significance (1 of 4 stars; one submission).

Submission:

Labcorp Genetics (formerly Invitae), Labcorp
Classification: Uncertain significance. Last evaluated: 2024-05-15. Review status: criteria provided, single submitter. Criteria: Invitae Variant Classification Sherloc (09022015). Collection method: clinical testing. Allele origin: germline.
Comment: This sequence change affects codon 42 of the RNF113A mRNA. It is a 'silent' change, meaning that it does not change the encoded amino acid sequence of the RNF113A protein. This variant is not present in population databases (gnomAD no frequency). This variant has not been reported in the literature in individuals affected with RNF113A-related conditions. In summary, the available evidence is currently insufficient to determine the role of this variant in disease. Therefore, it has been classified as a Variant of Uncertain Significance.

NM_006978.3(RNF113A):c.126A>G (p.Glu42=)

Genes: RNF113A (ring finger protein 113A; minus strand), LOC130068621 (ATAC-STARR-seq lymphoblastoid active region 29902; plus strand). Cytogenetic location: Xq24.
Variant type: single nucleotide variant.
Coding change: c.126A>G on transcript NM_006978.3 (MANE Select); coding-DNA position 126, A replaced by G.
Protein change: p.Glu42=; no amino-acid change (glutamic acid 42 retained).
Molecular consequence: synonymous variant.
Genome position (GRCh38, 1-based): chrX:119,871,488, T>C on the plus strand (A>G on the coding strand, the complement: RNF113A is on the minus strand). VCF-style: chrX-119871488-T-C. GRCh37 (hg19) VCF-style: chrX-119005451-T-C.
Identifiers: ClinVar variation 3652805 (VCV003652805.2).